The following is an entry in ClinVar:

NM_032043.3(BRIP1):c.3104G>C (p.Arg1035Pro)

Gene: BRIP1 (BRCA1 interacting DNA helicase 1; minus strand). Cytogenetic location: 17q23.2.
Variant type: single nucleotide variant.
Coding change: c.3104G>C on transcript NM_032043.3 (MANE Select); coding-DNA position 3104, G replaced by C.
Protein change: p.Arg1035Pro; replaces arginine 1035 with proline.
Molecular consequence: missense variant.
Genome position (GRCh38, 1-based): chr17:61,683,942, C>G on the plus strand (G>C on the coding strand, the complement: BRIP1 is on the minus strand). VCF-style: chr17-61683942-C-G. GRCh37 (hg19) VCF-style: chr17-59761303-C-G.
Other names: short protein forms R1035P.
Identifiers: ClinVar variation 483154 (VCV000483154.14), dbSNP rs367816363, ClinGen allele CA400479739.

ClinVar aggregate classification (germline): Uncertain significance. Review status: criteria provided, multiple submitters, no conflicts (2 of 4 stars). 2 submissions from 2 submitters: Uncertain significance (2). Last evaluated 2025-08-21.

Conditions:
Hereditary cancer-predisposing syndrome. Also called: Hereditary neoplastic syndrome; Neoplastic Syndromes, Hereditary; Tumor predisposition; Hereditary Cancer Syndrome. Identifiers: Orphanet 140162, MedGen C0027672, MeSH D009386, MONDO:0015356.
Fanconi anemia complementation group J. Also called: BRIP1-Related Fanconi Anemia. Identifiers: Orphanet 84, MedGen C1836860, MONDO:0012187, OMIM 609054.
Familial cancer of breast. Also called: BREAST CANCER, FAMILIAL; Hereditary breast cancer; hereditary breast carcinoma. Identifiers: Orphanet 227535, MedGen C0346153, MONDO:0016419, OMIM 114480. Disease mechanism: loss of function.

Submissions (2):

Labcorp Genetics (formerly Invitae), Labcorp
Classification: Uncertain significance for Familial cancer of breast; Fanconi anemia complementation group J. Last evaluated: 2025-08-21. Review status: criteria provided, single submitter. Criteria: Invitae Variant Classification Sherloc (09022015). Collection method: clinical testing. Allele origin: germline.
Comment: This sequence change replaces arginine, which is basic and polar, with proline, which is neutral and non-polar, at codon 1035 of the BRIP1 protein (p.Arg1035Pro). This variant is not present in population databases (gnomAD no frequency). This variant has not been reported in the literature in individuals affected with BRIP1-related conditions. ClinVar contains an entry for this variant (Variation ID: 483154). Invitae Evidence Modeling of protein sequence and biophysical properties (such as structural, functional, and spatial information, amino acid conservation, physicochemical variation, residue mobility, and thermodynamic stability) indicates that this missense variant is not expected to disrupt BRIP1 protein function with a negative predictive value of 95%. In summary, the available evidence is currently insufficient to determine the role of this variant in disease. Therefore, it has been classified as a Variant of Uncertain Significance.

Ambry Genetics
Classification: Uncertain significance for Hereditary cancer-predisposing syndrome. Last evaluated: 2023-12-29. Review status: criteria provided, single submitter. Criteria: Ambry Variant Classification Scheme 2023. Collection method: clinical testing. Allele origin: germline.
Comment: The p.R1035P variant (also known as c.3104G>C), located in coding exon 19 of the BRIP1 gene, results from a G to C substitution at nucleotide position 3104. The arginine at codon 1035 is replaced by proline, an amino acid with dissimilar properties. A different alteration at this position, p.R1035C, was detected in 2/189 Turkmen patients with esophageal squamous cell carcinoma (Akbari MR et al. Hum. Genet. 2011 May;129:573-82). This amino acid position is poorly conserved in available vertebrate species. In addition, this alteration is predicted to be tolerated by in silico analysis. Since supporting evidence is limited at this time, the clinical significance of this alteration remains unclear.